The following is an entry in ClinVar:

NM_015047.3(EMC1):c.2485C>T (p.Gln829Ter)

Genes: EMC1 (ER membrane protein complex subunit 1; minus strand), EMC1-AS1 (EMC1 antisense RNA 1; plus strand). Cytogenetic location: 1p36.13.
Variant type: single nucleotide variant.
Coding change: c.2485C>T on transcript NM_015047.3 (MANE Select); coding-DNA position 2485, C replaced by T.
Protein change: p.Gln829Ter; replaces glutamine 829 with a stop codon.
Molecular consequence: nonsense.
Genome position (GRCh38, 1-based): chr1:19,222,726, G>A on the plus strand (C>T on the coding strand, the complement: EMC1 is on the minus strand). VCF-style: chr1-19222726-G-A. GRCh37 (hg19) VCF-style: chr1-19549220-G-A.
Other names: c.2482C>T, p.Gln828Ter (NM_001271427.2, NM_001271428.2); c.2419C>T, p.Gln807Ter (NM_001271429.2); c.2494C>T, p.Gln832Ter (NM_001375820.1); c.2491C>T, p.Gln831Ter (NM_001375821.1); short protein forms Q807*, Q828*, Q829*, Q832*, Q831*.
Identifiers: ClinVar variation 2991789 (VCV002991789.3), dbSNP rs762750656, ClinGen allele CA652261.

ClinVar aggregate classification (germline): Pathogenic (1 of 4 stars; one submission).

Allele frequency attached by ClinVar (database versions not stated): gnomAD exomes below 0.00001; ExAC 0.00001.
gnomAD v4.1: 1 of 1,614,114 alleles (0.000062%); highest among the groups gnomAD compares: Admixed American, 0.0017%; no homozygotes.

Submission:

Labcorp Genetics (formerly Invitae), Labcorp
Classification: Pathogenic. Last evaluated: 2024-05-17. Review status: criteria provided, single submitter. Criteria: Invitae Variant Classification Sherloc (09022015). Collection method: clinical testing. Allele origin: germline.
Comment: This sequence change creates a premature translational stop signal (p.Gln829*) in the EMC1 gene. It is expected to result in an absent or disrupted protein product. Loss-of-function variants in EMC1 are known to be pathogenic (PMID: 26572623, 26942288, 29271071). This variant is present in population databases (rs762750656, gnomAD 0.003%). This variant has not been reported in the literature in individuals affected with EMC1-related conditions. For these reasons, this variant has been classified as Pathogenic.

Literature cited by the submitters: PubMed 26572623; PubMed 26942288; PubMed 29271071.